The following is an entry in ClinVar:

ClinVar aggregate classification (germline): Conflicting classifications of pathogenicity. Review status: criteria provided, conflicting classifications (1 of 4 stars). 2 submissions from 2 submitters: Uncertain significance (1); Likely benign (1). Last evaluated 2025-08-25.

gnomAD v4.1: 26 of 1,613,574 alleles (0.0016%); highest among the groups gnomAD compares: South Asian, 0.0044%; 1 homozygote.

Submissions (2):

Ambry Genetics
Classification: Likely benign. Last evaluated: 2025-08-25. Review status: criteria provided, single submitter. Criteria: Ambry Variant Classification Scheme 2023. Collection method: clinical testing. Allele origin: germline.

Labcorp Genetics (formerly Invitae), Labcorp
Classification: Uncertain significance. Last evaluated: 2025-01-08. Review status: criteria provided, single submitter. Criteria: Invitae Variant Classification Sherloc (09022015). Collection method: clinical testing. Allele origin: germline.
Comment: This sequence change replaces valine, which is neutral and non-polar, with isoleucine, which is neutral and non-polar, at codon 224 of the RNLS protein (p.Val224Ile). This variant is present in population databases (rs760004178, gnomAD 0.007%). This variant has not been reported in the literature in individuals affected with RNLS-related conditions. An algorithm developed to predict the effect of missense changes on protein structure and function outputs the following: PolyPhen-2: "Benign". The isoleucine amino acid residue is found in multiple mammalian species, which suggests that this missense change does not adversely affect protein function. In summary, the available evidence is currently insufficient to determine the role of this variant in disease. Therefore, it has been classified as a Variant of Uncertain Significance.

NM_001031709.3(RNLS):c.670G>A (p.Val224Ile)

Gene: RNLS (renalase, FAD dependent amine oxidase; minus strand). Cytogenetic location: 10q23.31.
Variant type: single nucleotide variant.
Coding change: c.670G>A on transcript NM_001031709.3 (MANE Select); coding-DNA position 670, G replaced by A.
Protein change: p.Val224Ile; replaces valine 224 with isoleucine.
Molecular consequence: missense variant.
Genome position (GRCh38, 1-based): chr10:88,362,582, C>T on the plus strand (G>A on the coding strand, the complement: RNLS is on the minus strand). VCF-style: chr10-88362582-C-T. GRCh37 (hg19) VCF-style: chr10-90122339-C-T.
Other names: c.670G>A, p.Val224Ile (NM_018363.4); c.670G>A (NM_001031709.2); short protein forms V224I.
Identifiers: ClinVar variation 3629132 (VCV003629132.3).